The following is an entry in ClinVar:

NM_001102564.3(IFT43):c.296-1G>T

Gene: IFT43 (intraflagellar transport 43; plus strand). Cytogenetic location: 14q24.3.
Variant type: single nucleotide variant.
Coding change: c.296-1G>T on transcript NM_001102564.3 (MANE Select); the canonical splice acceptor site of the intron before coding-DNA position 296, G replaced by T.
Molecular consequence: splice acceptor variant.
Genome position (GRCh38, 1-based): chr14:76,082,294, G>T. VCF-style: chr14-76082294-G-T. GRCh37 (hg19) VCF-style: chr14-76548637-G-T.
Other names: c.311-1G>T (NM_052873.3).
Identifiers: ClinVar variation 2079123 (VCV002079123.5), dbSNP rs2037525325, ClinGen allele CA390473752.

ClinVar aggregate classification (germline): Likely pathogenic (1 of 4 stars; one submission).

Submissions (2):

Labcorp Genetics (formerly Invitae), Labcorp
Classification: Likely pathogenic. Last evaluated: 2022-03-10. Review status: criteria provided, single submitter. Criteria: Invitae Variant Classification Sherloc (09022015). Collection method: clinical testing. Allele origin: germline.
Comment: In summary, the currently available evidence indicates that the variant is pathogenic, but additional data are needed to prove that conclusively. Therefore, this variant has been classified as Likely Pathogenic. Algorithms developed to predict the effect of sequence changes on RNA splicing suggest that this variant may disrupt the consensus splice site. This variant has not been reported in the literature in individuals affected with IFT43-related conditions. This variant is not present in population databases (gnomAD no frequency). This sequence change affects an acceptor splice site in intron 4 of the IFT43 gene. It is expected to disrupt RNA splicing. Variants that disrupt the donor or acceptor splice site typically lead to a loss of protein function (PMID: 16199547), and loss-of-function variants in IFT43 are known to be pathogenic (PMID: 21378380, 28400947).

Dr. Peter K. Rogan Lab, Western University
No classification provided (evidence only). Condition: Malignant tumor of urinary bladder. Review status: no classification provided. Collection method: in vitro. Allele origin: not applicable. Functional consequence: skipped exon, retained intron. Not counted in ClinVar's aggregate classification.

Literature cited by the submitters: PubMed 16199547 (cited by Labcorp Genetics (formerly Invitae), Labcorp); PubMed 21378380 (cited by Labcorp Genetics (formerly Invitae), Labcorp); PubMed 28400947 (cited by Labcorp Genetics (formerly Invitae), Labcorp).